The following is an entry in ClinVar:

ClinVar aggregate classification (germline): Uncertain significance (1 of 4 stars; one submission).

Allele frequency attached by ClinVar (database versions not stated): ExAC 0.00001; TOPMed 0.00002; gnomAD 0.00004; gnomAD exomes 0.00004.
gnomAD v4.1: 57 of 1,613,882 alleles (0.0035%); highest among the groups gnomAD compares: Middle Eastern, 0.016%; no homozygotes.

Submission:

Labcorp Genetics (formerly Invitae), Labcorp
Classification: Uncertain significance. Last evaluated: 2023-07-26. Review status: criteria provided, single submitter. Criteria: Invitae Variant Classification Sherloc (09022015). Collection method: clinical testing. Allele origin: germline.
Comment: In summary, the available evidence is currently insufficient to determine the role of this variant in disease. Therefore, it has been classified as a Variant of Uncertain Significance. Variants that disrupt the consensus splice site are a relatively common cause of aberrant splicing (PMID: 17576681, 9536098). Algorithms developed to predict the effect of sequence changes on RNA splicing suggest that this variant is not likely to affect RNA splicing. This variant has not been reported in the literature in individuals affected with TRRAP-related conditions. This variant is present in population databases (rs781962020, gnomAD 0.01%). This sequence change falls in intron 12 of the TRRAP gene. It does not directly change the encoded amino acid sequence of the TRRAP protein. It affects a nucleotide within the consensus splice site.

Literature cited by the submitters: PubMed 17576681; PubMed 9536098.

NM_001375524.1(TRRAP):c.1036+4C>T

Gene: TRRAP (transformation/transcription domain associated protein; plus strand). Cytogenetic location: 7q22.1.
Variant type: single nucleotide variant.
Coding change: c.1036+4C>T on transcript NM_001375524.1 (MANE Select); 4 bases into the intron after coding-DNA position 1036, C replaced by T.
Molecular consequence: intron variant.
Genome position (GRCh38, 1-based): chr7:98,903,521, C>T. VCF-style: chr7-98903521-C-T. GRCh37 (hg19) VCF-style: chr7-98501144-C-T.
Other names: c.1036+4C>T (NM_001244580.2, NM_003496.4).
Identifiers: ClinVar variation 3016122 (VCV003016122.3), dbSNP rs781962020, ClinGen allele CA4359414.
Genomic context (GRCh38, chr7:98,903,521, plus strand): 5'-TCAGAAAGGAGCTTCTGATTGCTGCCAAACACATCCTCACCACAGAGCTGAGAAACCGTA[C>T]GTCCAGCCTGTCTTGTCTTGAATGCTGATGCTAGTCCTGTGGCCATCTTTGGGGACTCGG-3'